The following is an entry in ClinVar:

NM_000342.4(SLC4A1):c.*5C>T

Gene: SLC4A1 (solute carrier family 4 member 1 (Diego blood group); minus strand). Cytogenetic location: 17q21.31.
Variant type: single nucleotide variant.
Coding change: c.*5C>T on transcript NM_000342.4 (MANE Select); 5 bases downstream of the stop codon, C replaced by T.
Molecular consequence: 3 prime UTR variant.
Genome position (GRCh38, 1-based): chr17:44,250,453, G>A on the plus strand (C>T on the coding strand, the complement: SLC4A1 is on the minus strand). VCF-style: chr17-44250453-G-A. GRCh37 (hg19) VCF-style: chr17-42327821-G-A.
Identifiers: ClinVar variation 891768 (VCV000891768.4), dbSNP rs748428663, ClinGen allele CA8599943.

ClinVar aggregate classification (germline): Conflicting classifications of pathogenicity. Review status: criteria provided, conflicting classifications (1 of 4 stars). 3 submissions from 1 submitter: Uncertain significance (2); Benign (1). Last evaluated 2018-01-13.

Conditions:
Hereditary spherocytosis type 4. Also called: SLC4A1-Related Spherocytosis. Identifiers: Orphanet 822, MedGen C2675212, MONDO:0012981, OMIM 612653.
Autosomal dominant distal renal tubular acidosis (DRTA1). Also called: RTA, CLASSIC TYPE; RTA, DISTAL TYPE, AUTOSOMAL DOMINANT; RTA, GRADIENT TYPE; Renal Tubular Acidosis, Type I; RENAL TUBULAR ACIDOSIS, DISTAL, 1. Identifiers: Orphanet 93608, MedGen CN280572, MONDO:0008368, OMIM 179800.
Hemolytic anemia. Identifiers: MedGen C0002878, MONDO:0003664, HP:0001878.

Allele frequency attached by ClinVar (database versions not stated): gnomAD 0.00001; TOPMed 0.00001; gnomAD exomes 0.00003; ExAC 0.00005.

Submissions (3):

Illumina Laboratory Services, Illumina
Classification: Uncertain significance for Hereditary spherocytosis type 4. Last evaluated: 2018-01-13. Review status: criteria provided, single submitter. Criteria: ICSL Variant Classification Criteria 13 December 2019. Collection method: clinical testing. Allele origin: germline.

Illumina Laboratory Services, Illumina
Classification: Benign for Autosomal dominant distal renal tubular acidosis. Last evaluated: 2018-01-13. Review status: criteria provided, single submitter. Criteria: ICSL Variant Classification Criteria 13 December 2019. Collection method: clinical testing. Allele origin: germline.
Comment: This variant was observed in the ICSL laboratory as part of a predisposition screen in an ostensibly healthy population. It had not been previously curated by ICSL or reported in the Human Gene Mutation Database (HGMD: prior to June 1st, 2018), and was therefore a candidate for classification through an automated scoring system. Utilizing variant allele frequency, disease prevalence and penetrance estimates, and inheritance mode, an automated score was calculated to assess if this variant is too frequent to cause the disease. Based on the score and internal cut-off values, a variant classified as benign is not then subjected to further curation. The score for this variant resulted in a classification of benign for this disease.

Illumina Laboratory Services, Illumina
Classification: Uncertain significance for Hemolytic anemia. Last evaluated: 2018-01-13. Review status: criteria provided, single submitter. Criteria: ICSL Variant Classification Criteria 13 December 2019. Collection method: clinical testing. Allele origin: germline.